The following is an entry in ClinVar:

NM_014402.5(UQCRQ):c.95C>T (p.Thr32Ile)

Genes: UQCRQ (ubiquinol-cytochrome c reductase complex III subunit VII; plus strand), LOC126807509 (BRD4-independent group 4 enhancer GRCh37_chr5:132201613-132202812; plus strand). Cytogenetic location: 5q31.1.
Variant type: single nucleotide variant.
Coding change: c.95C>T on transcript NM_014402.5 (MANE Select); coding-DNA position 95, C replaced by T.
Protein change: p.Thr32Ile; replaces threonine 32 with isoleucine.
Molecular consequence: missense variant.
Genome position (GRCh38, 1-based): chr5:132,866,976, C>T. VCF-style: chr5-132866976-C-T. GRCh37 (hg19) VCF-style: chr5-132202668-C-T.
Other names: short protein forms T32I.
Identifiers: ClinVar variation 215350 (VCV000215350.7), dbSNP rs863224260, ClinGen allele CA321314.

ClinVar aggregate classification (germline): Conflicting classifications of pathogenicity. Review status: criteria provided, conflicting classifications (1 of 4 stars). 2 submissions from 2 submitters: Uncertain significance (1); Likely benign (1). Last evaluated 2022-07-05.

Allele frequency attached by ClinVar (database versions not stated): gnomAD exomes below 0.00001.
gnomAD v4.1: 5 of 1,614,114 alleles (0.00031%); highest among the groups gnomAD compares: Non-Finnish European, 0.00042%; no homozygotes.

Submissions (2):

Labcorp Genetics (formerly Invitae), Labcorp
Classification: Uncertain significance. Last evaluated: 2022-07-05. Review status: criteria provided, single submitter. Criteria: Invitae Variant Classification Sherloc (09022015). Collection method: clinical testing. Allele origin: germline.
Comment: This sequence change replaces threonine, which is neutral and polar, with isoleucine, which is neutral and non-polar, at codon 32 of the UQCRQ protein (p.Thr32Ile). This variant is not present in population databases (gnomAD no frequency). This variant has not been reported in the literature in individuals affected with UQCRQ-related conditions. ClinVar contains an entry for this variant (Variation ID: 215350). Algorithms developed to predict the effect of missense changes on protein structure and function (SIFT, PolyPhen-2, Align-GVGD) all suggest that this variant is likely to be tolerated. In summary, the available evidence is currently insufficient to determine the role of this variant in disease. Therefore, it has been classified as a Variant of Uncertain Significance.

GeneDx
Classification: Likely benign. Last evaluated: 2012-06-05. Review status: criteria provided, single submitter. Criteria: GeneDx Variant Classification (06012015). Collection method: clinical testing. Allele origin: germline. Affected: yes.
Comment: This variant is considered likely benign or benign based on one or more of the following criteria: it is a conservative change, it occurs at a poorly conserved position in the protein, it is predicted to be benign by multiple in silico algorithms, and/or has population frequency not consistent with disease.